The following is an entry in ClinVar:

ClinVar aggregate classification (germline): Uncertain significance. Review status: criteria provided, multiple submitters, no conflicts (2 of 4 stars). 4 submissions from 4 submitters: Uncertain significance (4). Last evaluated 2025-10-23.

Conditions:
Inborn genetic diseases. Identifiers: MedGen C0950123, MeSH D030342.
STK4-related disorder. Also called: STK4-related condition.
Combined immunodeficiency due to STK4 deficiency (IMD110). Also called: STK4 DEFICIENCY; MST1 DEFICIENCY; T-cell immunodeficiency, recurrent infections, and autoimmunity with or without cardiac malformations. Identifiers: Orphanet 314689, MedGen C3553943, MONDO:0013934, OMIM 614868.

Allele frequency attached by ClinVar (database versions not stated): gnomAD exomes below 0.00001 and 0.00001; ExAC 0.00001; gnomAD 0.00001 and 0.00003; TOPMed 0.00002.
gnomAD v4.1: 29 of 1,596,994 alleles (0.0018%); highest among the groups gnomAD compares: East Asian, 0.0067%; no homozygotes.

Submissions (4):

Labcorp Genetics (formerly Invitae), Labcorp
Classification: Uncertain significance for Combined immunodeficiency due to STK4 deficiency. Last evaluated: 2025-10-23. Review status: criteria provided, single submitter. Criteria: Invitae Variant Classification Sherloc (09022015). Collection method: clinical testing. Allele origin: germline.
Comment: This sequence change replaces leucine, which is neutral and non-polar, with valine, which is neutral and non-polar, at codon 275 of the STK4 protein (p.Leu275Val). This variant is present in population databases (rs373362307, gnomAD 0.02%). This variant has not been reported in the literature in individuals affected with STK4-related conditions. ClinVar contains an entry for this variant (Variation ID: 1060455). Invitae Evidence Modeling of protein sequence and biophysical properties (such as structural, functional, and spatial information, amino acid conservation, physicochemical variation, residue mobility, and thermodynamic stability) indicates that this missense variant is not expected to disrupt STK4 protein function with a negative predictive value of 95%. In summary, the available evidence is currently insufficient to determine the role of this variant in disease. Therefore, it has been classified as a Variant of Uncertain Significance.

PreventionGenetics, part of Exact Sciences
Classification: Uncertain significance for STK4-related condition. Last evaluated: 2025-10-22. Review status: criteria provided, single submitter. Criteria: ACMG Guidelines, 2015. Collection method: clinical testing. Allele origin: germline.
Comment: The STK4 c.823C>G variant is predicted to result in the amino acid substitution p.Leu275Val. To our knowledge, this variant has not been reported in the literature. This variant is reported in 0.016% of alleles in individuals of East Asian descent in gnomAD. At this time, the clinical significance of this variant is uncertain due to the absence of conclusive functional and genetic evidence.

Ambry Genetics
Classification: Uncertain significance for Inborn genetic diseases. Last evaluated: 2025-08-10. Review status: criteria provided, single submitter. Criteria: Ambry Variant Classification Scheme 2023. Collection method: clinical testing. Allele origin: germline.

Blueprint Genetics
Classification: Uncertain significance. Last evaluated: 2024-10-03. Review status: criteria provided, single submitter. Criteria: ACMG Guidelines, 2015. Collection method: clinical testing. Allele origin: germline.

NM_006282.5(STK4):c.823C>G (p.Leu275Val)

Gene: STK4 (serine/threonine kinase 4; plus strand). Cytogenetic location: 20q13.12.
Variant type: single nucleotide variant.
Coding change: c.823C>G on transcript NM_006282.5 (MANE Select); coding-DNA position 823, C replaced by G.
Protein change: p.Leu275Val; replaces leucine 275 with valine.
Molecular consequence: missense variant.
Genome position (GRCh38, 1-based): chr20:44,997,298, C>G. VCF-style: chr20-44997298-C-G. GRCh37 (hg19) VCF-style: chr20-43625939-C-G.
Other names: c.823C>G, p.Leu275Val (NM_001352385.2); c.823C>G (NM_006282.3, NM_006282.2); short protein forms L275V.
Identifiers: ClinVar variation 1060455 (VCV001060455.13), dbSNP rs373362307, ClinGen allele CA9873897.
Genomic context (GRCh38, chr20:44,997,298, plus strand): 5'-ACAGATTTTGTGAAACAGTGTCTTGTAAAGAGCCCTGAGCAGAGGGCCACAGCCACTCAG[C>G]TCCTGCAGGTATGAATCACCCTGTGATGCCATCTCGCTCCATTTCATTTACTTGCTGACC-3'
Protein context (NP_006273.1, residues 265-285): SPEQRATATQ[Leu275Val]LQHPFVRSAK